The following is an entry in ClinVar:

NM_000051.4(ATM):c.7145G>C (p.Gly2382Ala)

Genes: ATM (ATM serine/threonine kinase; plus strand), C11orf65 (chromosome 11 open reading frame 65; minus strand). Cytogenetic location: 11q22.3.
Variant type: single nucleotide variant.
Coding change: c.7145G>C on transcript NM_000051.4 (MANE Select); coding-DNA position 7145, G replaced by C.
Protein change: p.Gly2382Ala; replaces glycine 2382 with alanine.
Molecular consequence: missense variant. On other transcripts: intron variant (2).
Genome position (GRCh38, 1-based): chr11:108,329,076, G>C. VCF-style: chr11-108329076-G-C. GRCh37 (hg19) VCF-style: chr11-108199803-G-C.
Other names: c.7145G>C, p.Gly2382Ala (NM_001351834.2); c.641-20005C>G (NM_001330368.2); c.*38+6144C>G (NM_001351110.2); short protein forms G2382A.
Identifiers: ClinVar variation 407625 (VCV000407625.13), dbSNP rs1060501639, ClinGen allele CA16613488.

ClinVar aggregate classification (germline): Uncertain significance. Review status: criteria provided, multiple submitters, no conflicts (2 of 4 stars). 4 submissions from 4 submitters: Uncertain significance (4). Last evaluated 2025-12-17.

Conditions:
Hereditary cancer-predisposing syndrome. Also called: Neoplastic Syndromes, Hereditary; Hereditary Cancer Syndrome; Tumor predisposition; Hereditary neoplastic syndrome. Identifiers: Orphanet 140162, MedGen C0027672, MeSH D009386, MONDO:0015356.
Ataxia-telangiectasia syndrome (AT). Also called: LOUIS-BAR SYNDROME; Cerebello-oculocutaneous telangiectasia; Immunodeficiency with ataxia telangiectasia; Ataxia-telangiectasia, complementation group D; AT, COMPLEMENTATION GROUP C; Ataxia-telangiectasia, complementation group E. Identifiers: Orphanet 100, MedGen C0004135, MONDO:0008840, OMIM 208900.

Submissions (4):

Labcorp Genetics (formerly Invitae), Labcorp
Classification: Uncertain significance for Ataxia-telangiectasia syndrome. Last evaluated: 2025-12-17. Review status: criteria provided, single submitter. Criteria: Invitae Variant Classification Sherloc (09022015). Collection method: clinical testing. Allele origin: germline.
Comment: This sequence change replaces glycine, which is neutral and non-polar, with alanine, which is neutral and non-polar, at codon 2382 of the ATM protein (p.Gly2382Ala). This variant is not present in population databases (gnomAD no frequency). This variant has not been reported in the literature in individuals affected with ATM-related conditions. ClinVar contains an entry for this variant (Variation ID: 407625). Invitae Evidence Modeling of protein sequence and biophysical properties (such as structural, functional, and spatial information, amino acid conservation, physicochemical variation, residue mobility, and thermodynamic stability) indicates that this missense variant is not expected to disrupt ATM protein function with a negative predictive value of 95%. In summary, the available evidence is currently insufficient to determine the role of this variant in disease. Therefore, it has been classified as a Variant of Uncertain Significance.

Ambry Genetics
Classification: Uncertain significance for Hereditary cancer-predisposing syndrome. Last evaluated: 2024-04-08. Review status: criteria provided, single submitter. Criteria: Ambry Variant Classification Scheme 2023. Collection method: clinical testing. Allele origin: germline.
Comment: The p.G2382A variant (also known as c.7145G>C), located in coding exon 48 of the ATM gene, results from a G to C substitution at nucleotide position 7145. The glycine at codon 2382 is replaced by alanine, an amino acid with similar properties. This amino acid position is conserved. In addition, this alteration is predicted to be tolerated by in silico analysis. Since supporting evidence is limited at this time, the clinical significance of this alteration remains unclear.

Sema4
Classification: Uncertain significance for Hereditary cancer-predisposing syndrome. Last evaluated: 2021-11-17. Review status: criteria provided, single submitter. Criteria: Sema4 Curation Guidelines. Collection method: curation. Allele origin: germline.
Comment: The ATM c.7145G>C (p.G2382A) variant has not been reported in the literature to our knowledge. It was not observed in the large and broad cohorts of the Genome Aggregation Database (PMID: 32461654)). This variant has been reported in ClinVar (Variation ID 407625). In silico tools suggest the impact of the variant on protein function is benign, though these predictions have not been confirmed by functional studies. The evidence is insufficient to meet ACMG/AMP criteria for classifying the variant as benign or pathogenic. Thus, the clinical significance of this variant is currently uncertain.

GeneDx
Classification: Uncertain significance. Last evaluated: 2016-06-02. Review status: criteria provided, single submitter. Criteria: GeneDx Variant Classification (06012015). Collection method: clinical testing. Allele origin: germline. Affected: yes.
Comment: This variant is denoted ATM c.7145G>C at the cDNA level, p.Gly2382Ala (G2382A) at the protein level, and results in the change of a Glycine to an Alanine (GGA>GCA). This variant has not, to our knowledge, been published in the literature as pathogenic or benign. ATM Gly2382Ala was not observed in approximately 6,500 individuals of European and African American ancestry in the NHLBI Exome Sequencing Project, suggesting it is not a common benign variant in these populations. Since Glycine and Alanine share similar properties, this is considered a conservative amino acid substitution. ATM Gly2382Ala occurs at a position that is conserved in mammals and is located within the FAT domain (Tavtigian 2009, Stracker 2013). In silico analyses are inconsistent regarding the effect this variant may have on protein structure and function. Based on currently available evidence, it is unclear whether ATM Gly2382Ala is a pathogenic or benign variant. We consider it to be a variant of uncertain significance.